The following is an entry in ClinVar:

NM_014727.3(KMT2B):c.4368C>T (p.Phe1456=)

Gene: KMT2B (lysine methyltransferase 2B; plus strand). Cytogenetic location: 19q13.12.
Variant type: single nucleotide variant.
Coding change: c.4368C>T on transcript NM_014727.3 (MANE Select); coding-DNA position 4368, C replaced by T.
Protein change: p.Phe1456=; no amino-acid change (phenylalanine 1456 retained).
Molecular consequence: synonymous variant.
Genome position (GRCh38, 1-based): chr19:35,727,763, C>T. VCF-style: chr19-35727763-C-T. GRCh37 (hg19) VCF-style: chr19-36218664-C-T.
Other names: c.4368C>T (NM_014727.1).
Identifiers: ClinVar variation 1327300 (VCV001327300.11), dbSNP rs201875104, ClinGen allele CA9385058.

ClinVar aggregate classification (germline): Benign/Likely benign. Review status: criteria provided, multiple submitters, no conflicts (2 of 4 stars). 5 submissions from 5 submitters: Benign (1); Likely benign (4). Last evaluated 2025-04-26.

Conditions:
Inborn genetic diseases. Identifiers: MedGen C0950123, MeSH D030342.

Allele frequency attached by ClinVar (database versions not stated): 1000 Genomes Project 30x 0.00047; 1000 Genomes Project 0.00060.
gnomAD v4.1: 51 of 1,613,882 alleles (0.0032%); highest among the groups gnomAD compares: South Asian, 0.025%; no homozygotes.

Submissions (5):

Labcorp Genetics (formerly Invitae), Labcorp
Classification: Benign. Last evaluated: 2025-04-26. Review status: criteria provided, single submitter. Criteria: Invitae Variant Classification Sherloc (09022015). Collection method: clinical testing. Allele origin: germline.

Laboratory of Genetics, Children's Clinical University Hospital Latvia
Classification: Likely benign. Last evaluated: 2025-02-16. Review status: criteria provided, single submitter. Criteria: ACMG Guidelines, 2015. Collection method: clinical testing. Allele origin: germline. Affected: yes.

Blueprint Genetics
Classification: Likely benign. Last evaluated: 2024-05-23. Review status: criteria provided, single submitter. Criteria: ACMG Guidelines, 2015. Collection method: clinical testing. Allele origin: germline.

Ambry Genetics
Classification: Likely benign for Inborn genetic diseases. Last evaluated: 2023-12-08. Review status: criteria provided, single submitter. Criteria: Ambry Variant Classification Scheme 2023. Collection method: clinical testing. Allele origin: germline.

GeneDx
Classification: Likely benign. Last evaluated: 2021-03-23. Review status: criteria provided, single submitter. Criteria: GeneDx Variant Classification Process June 2021. Collection method: clinical testing. Allele origin: germline. Affected: yes.
Comment: This variant is associated with the following publications: (PMID: 31785789)